The following is an entry in ClinVar:

NM_020184.4(CNNM4):c.1711T>G (p.Ser571Ala)

Gene: CNNM4 (cyclin and CBS domain divalent metal cation transport mediator 4; plus strand). Cytogenetic location: 2q11.2.
Variant type: single nucleotide variant.
Coding change: c.1711T>G on transcript NM_020184.4 (MANE Select); coding-DNA position 1711, T replaced by G.
Protein change: p.Ser571Ala; replaces serine 571 with alanine.
Molecular consequence: missense variant.
Genome position (GRCh38, 1-based): chr2:96,799,086, T>G. VCF-style: chr2-96799086-T-G. GRCh37 (hg19) VCF-style: chr2-97464823-T-G.
Other names: short protein forms S571A.
Identifiers: ClinVar variation 1384668 (VCV001384668.3), dbSNP rs2153349690, ClinGen allele CA347704658.
Genomic context (GRCh38, chr2:96,799,086, plus strand): 5'-CGTGTGAGGTCTCTTCTCTCTCCTCCTACAGAGGTCTCTCAGTTTAGCCCCTCCCTGATA[T>G]CAGAGAAGATCCTGCTGCGGCTACTCAAGTACCCAGATGTCATTCAGGAACTCAAGTTTG-3'
Protein context (NP_064569.3, residues 561-581): EVSQFSPSLI[Ser571Ala]EKILLRLLKY

ClinVar aggregate classification (germline): Uncertain significance (1 of 4 stars; one submission).

gnomAD v4.1: 4 of 1,614,096 alleles (0.00025%); highest among the groups gnomAD compares: Admixed American, 0.0017%; no homozygotes.

Submission:

Labcorp Genetics (formerly Invitae), Labcorp
Classification: Uncertain significance. Last evaluated: 2022-06-09. Review status: criteria provided, single submitter. Criteria: Invitae Variant Classification Sherloc (09022015). Collection method: clinical testing. Allele origin: germline.
Comment: This sequence change replaces serine, which is neutral and polar, with alanine, which is neutral and non-polar, at codon 571 of the CNNM4 protein (p.Ser571Ala). This variant is not present in population databases (gnomAD no frequency). This variant has not been reported in the literature in individuals affected with CNNM4-related conditions. Algorithms developed to predict the effect of missense changes on protein structure and function are either unavailable or do not agree on the potential impact of this missense change (SIFT: "Tolerated"; PolyPhen-2: "Possibly Damaging"; Align-GVGD: "Class C15"). Algorithms developed to predict the effect of sequence changes on RNA splicing suggest that this variant may create or strengthen a splice site. In summary, the available evidence is currently insufficient to determine the role of this variant in disease. Therefore, it has been classified as a Variant of Uncertain Significance.